The following is an entry in ClinVar:

ClinVar aggregate classification (germline): Likely pathogenic. Review status: criteria provided, multiple submitters, no conflicts (2 of 4 stars). 2 submissions from 2 submitters: Likely pathogenic (2). Last evaluated 2025-10-06.

Conditions:
P3H2-related disorders.

Allele frequency attached by ClinVar (database versions not stated): gnomAD 0.00001; ExAC 0.00002; gnomAD exomes 0.00002 and 0.00003.
gnomAD v4.1: 30 of 1,613,998 alleles (0.0019%); highest among the groups gnomAD compares: Non-Finnish European, 0.0024%; no homozygotes.

Submissions (2):

Labcorp Genetics (formerly Invitae), Labcorp
Classification: Likely pathogenic. Last evaluated: 2025-10-06. Review status: criteria provided, single submitter. Criteria: Invitae Variant Classification Sherloc (09022015). Collection method: clinical testing. Allele origin: germline.
Comment: This sequence change affects an acceptor splice site in intron 3 of the P3H2 gene. It is expected to disrupt RNA splicing. Variants that disrupt the donor or acceptor splice site typically lead to a loss of protein function (PMID: 16199547), and loss-of-function variants in P3H2 are known to be pathogenic (PMID: 24172257, 25469533). This variant is present in population databases (rs748561222, gnomAD 0.005%). This variant has not been reported in the literature in individuals affected with P3H2-related conditions. ClinVar contains an entry for this variant (Variation ID: 1484377). Algorithms developed to predict the effect of sequence changes on RNA splicing suggest that this variant may disrupt the consensus splice site. In summary, the currently available evidence indicates that the variant is pathogenic, but additional data are needed to prove that conclusively. Therefore, this variant has been classified as Likely Pathogenic.

Blueprint Genetics
Classification: Likely pathogenic for P3H2-related disorders. Last evaluated: 2020-01-28. Review status: criteria provided, single submitter. Criteria: ACMG Guidelines, 2015. Collection method: clinical testing. Allele origin: germline. Affected: yes. Observed: 3 variant alleles.

Literature cited by the submitters: PubMed 16199547 (cited by Labcorp Genetics (formerly Invitae), Labcorp); PubMed 24172257 (cited by Labcorp Genetics (formerly Invitae), Labcorp); PubMed 25469533 (cited by Labcorp Genetics (formerly Invitae), Labcorp).

NM_018192.4(P3H2):c.824-2A>G

Gene: P3H2 (prolyl 3-hydroxylase 2; minus strand). Cytogenetic location: 3q28.
Variant type: single nucleotide variant.
Coding change: c.824-2A>G on transcript NM_018192.4 (MANE Select); the canonical splice acceptor site of the intron before coding-DNA position 824, A replaced by G.
Molecular consequence: splice acceptor variant.
Genome position (GRCh38, 1-based): chr3:189,989,040, T>C on the plus strand (A>G on the coding strand, the complement: P3H2 is on the minus strand). VCF-style: chr3-189989040-T-C. GRCh37 (hg19) VCF-style: chr3-189706829-T-C.
Other names: c.281-2A>G (NM_001134418.2).
Identifiers: ClinVar variation 1484377 (VCV001484377.7), dbSNP rs748561222, ClinGen allele CA2753198.